The following is an entry in ClinVar:

ClinVar aggregate classification (germline): Pathogenic/Likely pathogenic. Review status: criteria provided, multiple submitters, no conflicts (2 of 4 stars). 3 submissions from 3 submitters: Pathogenic (1); Likely pathogenic (2). Last evaluated 2022-01-04.

Conditions:
Weill-Marchesani syndrome 2, dominant. Also called: FBN1-Related Weill-Marchesani Syndrome; Weill-Marchesani Syndrome, Autosomal Dominant. Identifiers: Orphanet 2084, MedGen C1869115, MONDO:0012013, OMIM 608328.
Ectopia lentis 1, isolated, autosomal dominant (ECTOL1). Identifiers: Orphanet 1885, MedGen C3541518, MONDO:0007514, OMIM 129600.
Marfan syndrome (MFS). Also called: MARFAN SYNDROME, TYPE I; FBN1-Related Marfan Syndrome; Marfan syndrome type 1; Marfan's syndrome; Marfan syndrome, classic. Identifiers: Orphanet 284963, Orphanet 558, MedGen C0024796, MONDO:0007947, OMIM 154700.
Stiff skin syndrome (SSKS). Identifiers: Orphanet 2833, MedGen C1861456, MONDO:0008492, OMIM 184900.
Acromicric dysplasia (ACMICD). Also called: Acromicric skeletal dysplasia. Identifiers: Orphanet 969, MedGen C0265287, MONDO:0007055, OMIM 102370.
Progeroid and marfanoid aspect-lipodystrophy syndrome. Also called: MARFANOID-PROGEROID SYNDROME; MARFAN-PROGEROID-LIPODYSTROPHY SYNDROME; Marfan lipodystrophy syndrome; MARFANOID-PROGEROID-LIPODYSTROPHY SYNDROME. Identifiers: Orphanet 300382, MedGen C4310796, MONDO:0014831, OMIM 616914.
MASS syndrome (OCTD). Also called: MASS PHENOTYPE; OVERLAP CONNECTIVE TISSUE DISEASE. Identifiers: MedGen C1858556, MONDO:0011431, OMIM 604308.
Geleophysic dysplasia 2 (GPHYSD2). Identifiers: Orphanet 2623, MedGen C3280054, MONDO:0013612, OMIM 614185.
Familial thoracic aortic aneurysm and aortic dissection (TAAD). Also called: Thoracic aortic aneurysms and dissections. Identifiers: Orphanet 91387, MedGen C4707243, MONDO:0019625.

Allele frequency attached by ClinVar (database versions not stated): gnomAD exomes below 0.00001.
gnomAD v4.1: 1 of 1,613,432 alleles (0.000062%); highest among the groups gnomAD compares: Non-Finnish European, 0.000085%; no homozygotes.

Submissions (3):

Fulgent Genetics
Classification: Likely pathogenic for Acromicric dysplasia; Ectopia lentis 1, isolated, autosomal dominant; Marfan syndrome; Stiff skin syndrome; MASS syndrome; Weill-Marchesani syndrome 2, dominant; Geleophysic dysplasia 2; Progeroid and marfanoid aspect-lipodystrophy syndrome. Last evaluated: 2022-01-04. Review status: criteria provided, single submitter. Criteria: ACMG Guidelines, 2015. Collection method: clinical testing. Allele origin: unknown.

Labcorp Genetics (formerly Invitae), Labcorp
Classification: Pathogenic for Marfan syndrome; Familial thoracic aortic aneurysm and aortic dissection. Last evaluated: 2021-05-30. Review status: criteria provided, single submitter. Criteria: Invitae Variant Classification Sherloc (09022015). Collection method: clinical testing. Allele origin: germline.
Comment: For these reasons, this variant has been classified as Pathogenic. This sequence change replaces cysteine with arginine at codon 2017 of the FBN1 protein (p.Cys2017Arg). The cysteine residue is highly conserved and there is a large physicochemical difference between cysteine and arginine. This variant is not present in population databases (ExAC no frequency). This variant has been reported in an individual affected with Marfan syndrome (PMID: 10464652). This variant affects a cysteine residue located within an epidermal-growth-factor (EGF)–like domain of the FBN1 protein. Cysteine residues in these domains have been shown to be involved in the formation of disulfide bridges, which are critical for FBN1 protein structure and stability (PMID: 10486319, 3495735, 4750422, 16677079). In addition, missense substitutions within the FBN1 EGF-like domains affecting cysteine residues are significantly overrepresented among patients with Marfan syndrome (PMID: 16571647, 17701892). A different missense substitution at this codon (p.Cys2017Trp) has been determined to be pathogenic (PMID: 25907466). This suggests that the cysteine residue is critical for FBN1 protein function and that other missense substitutions at this position may also be pathogenic.

CHEO Genetics Diagnostic Laboratory, Children's Hospital of Eastern Ontario
Classification: Likely pathogenic for Familial thoracic aortic aneurysm and aortic dissection. Last evaluated: 2016-07-22. Review status: criteria provided, single submitter. Criteria: ACMG Guidelines, 2015. Collection method: clinical testing. Allele origin: germline. Study: Canadian Open Genetics Repository.

Literature cited by the submitters: PubMed 10464652 (cited by Labcorp Genetics (formerly Invitae), Labcorp); PubMed 10486319 (cited by Labcorp Genetics (formerly Invitae), Labcorp); PubMed 3495735 (cited by Labcorp Genetics (formerly Invitae), Labcorp); PubMed 4750422 (cited by Labcorp Genetics (formerly Invitae), Labcorp); PubMed 16677079 (cited by Labcorp Genetics (formerly Invitae), Labcorp); PubMed 16571647 (cited by Labcorp Genetics (formerly Invitae), Labcorp); PubMed 17701892 (cited by Labcorp Genetics (formerly Invitae), Labcorp); PubMed 25907466 (cited by Labcorp Genetics (formerly Invitae), Labcorp).

NM_000138.5(FBN1):c.6049T>C (p.Cys2017Arg)

Gene: FBN1 (fibrillin 1; minus strand). Cytogenetic location: 15q21.1.
Variant type: single nucleotide variant.
Coding change: c.6049T>C on transcript NM_000138.5 (MANE Select); coding-DNA position 6049, T replaced by C.
Protein change: p.Cys2017Arg; replaces cysteine 2017 with arginine.
Molecular consequence: missense variant.
Genome position (GRCh38, 1-based): chr15:48,441,835, A>G on the plus strand (T>C on the coding strand, the complement: FBN1 is on the minus strand). VCF-style: chr15-48441835-A-G. GRCh37 (hg19) VCF-style: chr15-48734032-A-G.
Other names: short protein forms C2017R.
Identifiers: ClinVar variation 457240 (VCV000457240.13), dbSNP rs1555395486, ClinGen allele CA392338617.